The following is an entry in ClinVar:

NM_004304.5(ALK):c.2095_2100dup (p.Gln700_Cys701insAlaGln)

Gene: ALK (ALK receptor tyrosine kinase; minus strand). Cytogenetic location: 2p23.2.
Variant type: Duplication.
Coding change: c.2095_2100dup on transcript NM_004304.5 (MANE Select); coding-DNA positions 2095 to 2100, 6 bases duplicated (GCACAG; older notation c.2095_2100dupGCACAG).
Protein change: p.Gln700_Cys701insAlaGln.
Molecular consequence: inframe insertion.
Genome position (GRCh38, 1-based): chr2:29,251,209-29,251,214, CTGTGC duplicated on the plus strand (GCACAG on the coding strand, the reverse complement: ALK is on the minus strand); duplicating any 6 consecutive bases within chr2:29,251,209-29,251,217 gives the same sequence; the c. name uses the placement nearest the transcript's 3' end. VCF-style (leftmost placement, unchanged base first): chr2-29251208-A-ACTGTGC. GRCh37 (hg19) VCF-style: chr2-29474074-A-ACTGTGC.
Identifiers: ClinVar variation 4869874 (VCV004869874.1).

ClinVar aggregate classification (germline): Uncertain significance (1 of 4 stars; one submission).

Conditions:
Hereditary cancer-predisposing syndrome. Also called: Neoplastic Syndromes, Hereditary; Tumor predisposition; Hereditary Cancer Syndrome; Hereditary neoplastic syndrome. Identifiers: Orphanet 140162, MedGen C0027672, MeSH D009386, MONDO:0015356.

Submission:

Ambry Genetics
Classification: Uncertain significance for Hereditary cancer-predisposing syndrome. Last evaluated: 2026-03-25. Review status: criteria provided, single submitter. Criteria: Ambry Variant Classification Scheme 2023. Collection method: clinical testing. Allele origin: germline.
Comment: The c.2095_2100dupGCACAG variant (also known as p.A699_Q700dup), located in coding exon 12 of the ALK gene, results from an in-frame duplication of GCACAG at nucleotide positions 2095 to 2100. This results in the duplication of 2 extra residues (AQ) between codons 699 and 700. This amino acid region is well conserved in available vertebrate species. In addition, this variant is predicted to be deleterious by in silico analysis (Choi Y et al. PLoS ONE. 2012; 7(10):e46688). Based on the available evidence, the clinical significance of this variant remains unclear.